The following is an entry in ClinVar:

NM_000135.4(FANCA):c.818T>G (p.Met273Arg)

Gene: FANCA (FA complementation group A; minus strand). Cytogenetic location: 16q24.3.
Variant type: single nucleotide variant.
Coding change: c.818T>G on transcript NM_000135.4 (MANE Select); coding-DNA position 818, T replaced by G.
Protein change: p.Met273Arg; replaces methionine 273 with arginine.
Molecular consequence: missense variant.
Genome position (GRCh38, 1-based): chr16:89,799,613, A>C on the plus strand (T>G on the coding strand, the complement: FANCA is on the minus strand). VCF-style: chr16-89799613-A-C. GRCh37 (hg19) VCF-style: chr16-89866021-A-C.
Other names: c.818T>G, p.Met273Arg (NM_001018112.3, NM_001286167.3); c.722T>G, p.Met241Arg (NM_001351830.2); short protein forms M241R, M273R.
Identifiers: ClinVar variation 4870804 (VCV004870804.1).

ClinVar aggregate classification (germline): Uncertain significance (1 of 4 stars; one submission).

Conditions:
Inborn genetic diseases. Identifiers: MedGen C0950123, MeSH D030342.

Submission:

Ambry Genetics
Classification: Uncertain significance for Inborn genetic diseases. Last evaluated: 2026-03-29. Review status: criteria provided, single submitter. Criteria: Ambry Variant Classification Scheme 2023. Collection method: clinical testing. Allele origin: germline.
Comment: The p.M273R variant (also known as c.818T>G), located in coding exon 9 of the FANCA gene, results from a T to G substitution at nucleotide position 818. The methionine at codon 273 is replaced by arginine, an amino acid with similar properties. This amino acid position is conserved. In addition, this alteration is predicted to be deleterious by in silico analysis. Based on the available evidence, the clinical significance of this variant remains unclear.